The following is an entry in ClinVar:

ClinVar aggregate classification (germline): Benign. Review status: criteria provided, multiple submitters, no conflicts (2 of 4 stars). 7 submissions from 6 submitters: Benign (6). 1 of the submissions does not count toward it. Last evaluated 2026-02-03.

Conditions:
Charcot-Marie-tooth disease, axonal, type 2DD. Also called: CHARCOT-MARIE-TOOTH NEUROPATHY, TYPE 2DD. Identifiers: Orphanet 521414, MedGen C4747974, MONDO:0054833, OMIM 618036.
ATP1A1-related disorder. Also called: ATP1A1-related condition.
Hypomagnesemia, seizures, and impaired intellectual development 2. Also called: Hypomagnesemia, seizures, and intellectual disability 2. Identifiers: MedGen C5193023, MONDO:0020788, OMIM 618314.

Allele frequency attached by ClinVar (database versions not stated): TOPMed 0.05737; 1000 Genomes Project 30x 0.06355; gnomAD exomes 0.00864 and 0.02740; gnomAD 0.04704 and 0.04948; ExAC 0.02631; ESP Exome Variant Server 0.05136; 1000 Genomes Project 0.05911.
gnomAD v4.1: 20,133 of 1,612,830 alleles (1.2%); highest among the groups gnomAD compares: African/African-American, 14%; 1,081 homozygotes.

Submissions (7):

Labcorp Genetics (formerly Invitae), Labcorp
Classification: Benign. Last evaluated: 2026-02-03. Review status: criteria provided, single submitter. Criteria: Invitae Variant Classification Sherloc (09022015). Collection method: clinical testing. Allele origin: germline.

Mayo Clinic Laboratories, Mayo Clinic
Classification: Benign. Last evaluated: 2022-03-23. Review status: criteria provided, single submitter. Criteria: ACMG Guidelines, 2015. Collection method: clinical testing. Allele origin: germline. Observed: 32 variant alleles.

Genome-Nilou Lab
Classification: Benign for Charcot-Marie-tooth disease, axonal, type 2DD. Last evaluated: 2021-12-05. Review status: criteria provided, single submitter. Criteria: ACMG Guidelines, 2015. Collection method: clinical testing. Allele origin: germline. Affected: no.

Genome-Nilou Lab
Classification: Benign for Hypomagnesemia, seizures, and impaired intellectual development 2. Last evaluated: 2021-12-05. Review status: criteria provided, single submitter. Criteria: ACMG Guidelines, 2015. Collection method: clinical testing. Allele origin: germline. Affected: no.

GeneDx
Classification: Benign. Last evaluated: 2021-05-04. Review status: criteria provided, single submitter. Criteria: GeneDx Variant Classification Process June 2021. Collection method: clinical testing. Allele origin: germline. Affected: yes.

Breakthrough Genomics
Classification: Benign. Review status: criteria provided, single submitter. Criteria: ACMG Guidelines, 2015. Collection method: not provided. Allele origin: germline. Inheritance: Autosomal dominant inheritance. Affected: yes.

PreventionGenetics, part of Exact Sciences
Classification: Benign for ATP1A1-related condition. Last evaluated: 2019-04-09. Review status: no assertion criteria provided. Collection method: clinical testing. Allele origin: germline. Not counted in ClinVar's aggregate classification.
Comment: This variant is classified as benign based on ACMG/AMP sequence variant interpretation guidelines (Richards et al. 2015 PMID: 25741868, with internal and published modifications).

NM_000701.8(ATP1A1):c.3057G>A (p.Lys1019=)

Genes: ATP1A1 (ATPase Na+/K+ transporting subunit alpha 1; plus strand), ATP1A1-AS1 (ATP1A1 antisense RNA 1; minus strand). Cytogenetic location: 1p13.1.
Variant type: single nucleotide variant.
Coding change: c.3057G>A on transcript NM_000701.8 (MANE Select); coding-DNA position 3057, G replaced by A.
Protein change: p.Lys1019=; no amino-acid change (lysine 1019 retained).
Molecular consequence: synonymous variant.
Genome position (GRCh38, 1-based): chr1:116,404,429, G>A. VCF-style: chr1-116404429-G-A. GRCh37 (hg19) VCF-style: chr1-116947051-G-A.
Other names: p.Lys1019=; c.3057G>A, p.Lys1019= (NM_001160233.2); c.2964G>A, p.Lys988= (NM_001160234.2).
Identifiers: ClinVar variation 1288743 (VCV001288743.14), dbSNP rs9567, ClinGen allele CA1025716.